The following is an entry in ClinVar:

ClinVar aggregate classification (germline): Likely pathogenic (1 of 4 stars; one submission).

Conditions:
Hereditary spherocytosis type 2. Also called: SPHEROCYTOSIS, TYPE 2, AUTOSOMAL DOMINANT. Identifiers: Orphanet 822, MedGen C2674219, MONDO:0000913, OMIM 616649.

Submission:

Diagnostics Services (NGS), CSIR - Centre For Cellular And Molecular Biology
Classification: Likely pathogenic for Hereditary spherocytosis type 2. Last evaluated: 2019-10-10. Review status: criteria provided, single submitter. Criteria: ACMG Guidelines, 2015. Collection method: clinical testing. Allele origin: germline. Inheritance: Autosomal dominant inheritance. Affected: yes. Observed: 1 heterozygote.
Comment: The c.3784_3787del variant causes frameshift at 1262 amino acid position creating a premature stop codon at 1269 position of the mutated amino acid sequence that may result either into a truncated protein or nonsense mediated decay of the mRNA. This variant is not present in publicly available databases like 1000 Genomes, Exome Variant Server (EVS), Exome Aggregation Consortium (ExAC), Genome Aggregation Database (gnomAD) and dbSNP. The variant is not present in our in-house exome database. The variant was also not reported to OMIM, ClinVar and Human Genome Mutation Database (HGMD) in any other affected individuals. In-silico pathogenicity prediction programs like Mutation Taster2, CADD, InterVar etc. predicted this variant as likely disease causing. As per ACMG guidelines the variant has been classified as likely pathogenic.

NM_001355436.2(SPTB):c.3784_3787del (p.Lys1262fs)

Gene: SPTB (spectrin beta, erythrocytic; minus strand). Cytogenetic location: 14q23.3.
Variant type: Deletion.
Coding change: c.3784_3787del on transcript NM_001355436.2 (MANE Select); coding-DNA positions 3784 to 3787, 4 bases deleted (AAGG; older notation c.3784_3787delAAGG).
Protein change: p.Lys1262fs; shifts the reading frame from lysine 1262.
Molecular consequence: frameshift variant.
Genome position (GRCh38, 1-based): chr14:64,785,605-64,785,608, CCTT deleted on the plus strand (AAGG on the coding strand, the reverse complement: SPTB is on the minus strand); deleting any 4 consecutive bases within chr14:64,785,605-64,785,609 gives the same sequence; the c. name uses the placement nearest the transcript's 3' end. VCF-style (leftmost placement, unchanged base first): chr14-64785604-GCCTT-G. GRCh37 (hg19) VCF-style: chr14-65252322-GCCTT-G.
Other names: c.3784_3787del, p.Lys1262fs (NM_001024858.4, NM_001355437.2); short protein forms K1262fs.
Identifiers: ClinVar variation 800358 (VCV000800358.5), dbSNP rs1594773586, ClinGen allele CA915948838.